The following is an entry in ClinVar:

NM_032737.4(LMNB2):c.1279G>T (p.Ala427Ser)

Gene: LMNB2 (lamin B2; minus strand). Cytogenetic location: 19p13.3.
Variant type: single nucleotide variant.
Coding change: c.1279G>T on transcript NM_032737.4 (MANE Select); coding-DNA position 1279, G replaced by T.
Protein change: p.Ala427Ser; replaces alanine 427 with serine.
Molecular consequence: missense variant.
Genome position (GRCh38, 1-based): chr19:2,434,029, C>A on the plus strand (G>T on the coding strand, the complement: LMNB2 is on the minus strand). VCF-style: chr19-2434029-C-A. GRCh37 (hg19) VCF-style: chr19-2434027-C-A.
Other names: short protein forms A427S.
Identifiers: ClinVar variation 835352 (VCV000835352.9), dbSNP rs57521499, ClinGen allele CA9067548.
Genomic context (GRCh38, chr19:2,434,029, plus strand): 5'-TGCCCAAGGGCTCCTCCACCTCCAGCCGCTTCCGCTTACTGCGGCCCAGGCGCCCGGTGG[C>A]GGACAAGCTGCCGCTGCTGCTCGAGGTGGCTCGTGAGACGGTGACGCGCGAGGATGGGCT-3'
Protein context (NP_116126.3, residues 417-437): ATSSSSGSLS[Ala427Ser]TGRLGRSKRK

ClinVar aggregate classification (germline): Uncertain significance (1 of 4 stars; one submission).

Conditions:
Progressive myoclonic epilepsy type 9. Identifiers: Orphanet 457265, MedGen C4225289, MONDO:0014685, OMIM 616540.
Lipodystrophy, partial, acquired, susceptibility to (APLD). Also called: APLD, SUSCEPTIBILITY TO. Identifiers: MedGen C3887501, MONDO:0100476, OMIM 608709.

Submission:

Labcorp Genetics (formerly Invitae), Labcorp
Classification: Uncertain significance for Progressive myoclonic epilepsy type 9; Lipodystrophy, partial, acquired, susceptibility to. Last evaluated: 2019-11-12. Review status: criteria provided, single submitter. Criteria: Invitae Variant Classification Sherloc (09022015). Collection method: clinical testing. Allele origin: germline.
Comment: In summary, the available evidence is currently insufficient to determine the role of this variant in disease. Therefore, it has been classified as a Variant of Uncertain Significance. This sequence change replaces alanine with serine at codon 427 of the LMNB2 protein (p.Ala427Ser). The alanine residue is weakly conserved and there is a moderate physicochemical difference between alanine and serine. Algorithms developed to predict the effect of missense changes on protein structure and function output the following: SIFT: "Tolerated"; PolyPhen-2: "Benign"; Align-GVGD: "Class C0". The serine amino acid residue is found in multiple mammalian species, suggesting that this missense change does not adversely affect protein function. These predictions have not been confirmed by published functional studies and their clinical significance is uncertain. This variant has not been reported in the literature in individuals with LMNB2-related conditions. This variant is present in population databases (rs57521499, ExAC 0.02%).